The following is an entry in ClinVar:

ClinVar aggregate classification (germline): Uncertain significance (1 of 4 stars; one submission).

Allele frequency attached by ClinVar (database versions not stated): gnomAD exomes below 0.00001 and 0.00001; TOPMed below 0.00001.
gnomAD v4.1: 2 of 1,613,842 alleles (0.00012%); highest among the groups gnomAD compares: Admixed American, 0.0033%; no homozygotes.

Submission:

Labcorp Genetics (formerly Invitae), Labcorp
Classification: Uncertain significance. Last evaluated: 2022-07-05. Review status: criteria provided, single submitter. Criteria: Invitae Variant Classification Sherloc (09022015). Collection method: clinical testing. Allele origin: germline.
Comment: In summary, the available evidence is currently insufficient to determine the role of this variant in disease. Therefore, it has been classified as a Variant of Uncertain Significance. Algorithms developed to predict the effect of missense changes on protein structure and function are either unavailable or do not agree on the potential impact of this missense change (SIFT: "Deleterious"; PolyPhen-2: "Probably Damaging"; Align-GVGD: "Class C0"). ClinVar contains an entry for this variant (Variation ID: 1365867). This variant has not been reported in the literature in individuals affected with CENPF-related conditions. This variant is present in population databases (no rsID available, gnomAD 0.006%). This sequence change replaces glutamic acid, which is acidic and polar, with aspartic acid, which is acidic and polar, at codon 22 of the CENPF protein (p.Glu22Asp).

NM_016343.4(CENPF):c.66G>T (p.Glu22Asp)

Gene: CENPF (centromere protein F; plus strand). Cytogenetic location: 1q41.
Variant type: single nucleotide variant.
Coding change: c.66G>T on transcript NM_016343.4 (MANE Select); coding-DNA position 66, G replaced by T.
Protein change: p.Glu22Asp; replaces glutamic acid 22 with aspartic acid.
Molecular consequence: missense variant.
Genome position (GRCh38, 1-based): chr1:214,613,820, G>T. VCF-style: chr1-214613820-G-T. GRCh37 (hg19) VCF-style: chr1-214787163-G-T.
Other names: short protein forms E22D.
Identifiers: ClinVar variation 1365867 (VCV001365867.6), dbSNP rs1190122264, ClinGen allele CA344824116.
Genomic context (GRCh38, chr1:214,613,820, plus strand): 5'-CTGGGCTTTGGAAGAATGGAAAGAAGGGCTGCCTACAAGAGCTCTTCAGAAAATTCAAGA[G>T]CTTGAAGGACAGCTTGACAAACTGAAGAAGGAAAAGCAGCAAAGGCAGTTTCAGCTTGAC-3'
Protein context (NP_057427.3, residues 12-32): LPTRALQKIQ[Glu22Asp]LEGQLDKLKK